The following is an entry in ClinVar:

NM_003238.6(TGFB2):c.336C>A (p.Phe112Leu)

Gene: TGFB2 (transforming growth factor beta 2; plus strand). Cytogenetic location: 1q41.
Variant type: single nucleotide variant.
Coding change: c.336C>A on transcript NM_003238.6 (MANE Select); coding-DNA position 336, C replaced by A.
Protein change: p.Phe112Leu; replaces phenylalanine 112 with leucine.
Molecular consequence: missense variant. On other transcripts: non-coding transcript variant (2).
Genome position (GRCh38, 1-based): chr1:218,347,037, C>A. VCF-style: chr1-218347037-C-A. GRCh37 (hg19) VCF-style: chr1-218520379-C-A.
Other names: c.336C>A, p.Phe112Leu (NM_001135599.4); short protein forms F112L.
Identifiers: ClinVar variation 3455797 (VCV003455797.1).

ClinVar aggregate classification (germline): Uncertain significance (1 of 4 stars; one submission).

Conditions:
Familial thoracic aortic aneurysm and aortic dissection (TAAD). Also called: Thoracic aortic aneurysms and dissections. Identifiers: Orphanet 91387, MedGen C4707243, MONDO:0019625.

Submission:

Ambry Genetics
Classification: Uncertain significance for Familial thoracic aortic aneurysm and aortic dissection. Last evaluated: 2024-10-21. Review status: criteria provided, single submitter. Criteria: Ambry Variant Classification Scheme 2023. Collection method: clinical testing. Allele origin: germline.
Comment: The p.F112L variant (also known as c.336C>A), located in coding exon 1 of the TGFB2 gene, results from a C to A substitution at nucleotide position 336. The phenylalanine at codon 112 is replaced by leucine, an amino acid with highly similar properties. This amino acid position is conserved. In addition, this alteration is predicted to be tolerated by in silico analysis. Based on the available evidence, the clinical significance of this variant remains unclear.